The following is an entry in ClinVar:

NC_000022.11:g.40346324G>T

Gene: ADSL (adenylosuccinate lyase; plus strand). Cytogenetic location: 22q13.1.
Variant type: single nucleotide variant.
Genome position: GRCh38 VCF-style: chr22-40346324-G-T. GRCh37 (hg19) VCF-style: chr22-40742328-G-T.
Identifiers: ClinVar variation 4737801 (VCV004737801.1).

ClinVar aggregate classification (germline): Uncertain significance (1 of 4 stars; one submission).

Conditions:
Adenylosuccinate lyase deficiency (ADSLD). Also called: ADSL DEFICIENCY. Identifiers: Orphanet 46, MedGen C0268126, MONDO:0007068, OMIM 103050.

Submission:

Labcorp Genetics (formerly Invitae), Labcorp
Classification: Uncertain significance for Adenylosuccinate lyase deficiency. Last evaluated: 2025-12-03. Review status: criteria provided, single submitter. Criteria: Invitae Variant Classification Sherloc (09022015). Collection method: clinical testing. Allele origin: germline.
Comment: This variant occurs in a non-coding region of the ADSL gene. It does not change the encoded amino acid sequence of the ADSL protein. This variant is not present in population databases (gnomAD no frequency). This variant has not been reported in the literature in individuals affected with ADSL-related conditions. In summary, the available evidence is currently insufficient to determine the role of this variant in disease. Therefore, it has been classified as a Variant of Uncertain Significance.